The following is an entry in ClinVar:

ClinVar aggregate classification (germline): Uncertain significance. Review status: criteria provided, multiple submitters, no conflicts (2 of 4 stars). 2 submissions from 2 submitters: Uncertain significance (2). Last evaluated 2026-01-10.

Conditions:
Cardiovascular phenotype. Identifiers: MedGen CN230736.

Submissions (2):

Ambry Genetics
Classification: Uncertain significance for Cardiovascular phenotype. Last evaluated: 2026-01-10. Review status: criteria provided, single submitter. Criteria: Ambry Variant Classification Scheme 2023. Collection method: clinical testing. Allele origin: germline.
Comment: The p.S555T variant (also known as c.1663T>A), located in coding exon 13 of the CACNB2 gene, results from a T to A substitution at nucleotide position 1663. The serine at codon 555 is replaced by threonine, an amino acid with similar properties. This amino acid position is conserved. In addition, this alteration is predicted to be tolerated by in silico analysis. Based on the available evidence, the clinical significance of this variant remains unclear.

GeneDx
Classification: Uncertain significance. Last evaluated: 2016-07-01. Review status: criteria provided, single submitter. Criteria: GeneDx Variant Classification (06012015). Collection method: clinical testing. Allele origin: germline. Affected: yes.
Comment: The S555T variant of uncertain significance has been identified in the CACNB2 gene. The S555T variant has notbeen published as a pathogenic variant, nor has it been reported as a benign variant to our knowledge. The S555Tvariant was not observed in approximately 6,500 individuals of European and African American ancestry in theNHLBI Exome Sequencing Project, indicating it is not a common benign variant in these populations. However, theS555T variant is a conservative amino acid substitution, which is not likely to impact secondary protein structure asthese residues share similar properties. Furthermore, this substitution occurs at a position that is not conserved acrossspecies and in silico analysis predicts this variant likely does not alter the protein structure/function.Therefore, based on the currently available information, it is unclear whether this variant is pathogenic or benign.

NM_201596.3(CACNB2):c.1825T>A (p.Ser609Thr)

Gene: CACNB2 (calcium voltage-gated channel auxiliary subunit beta 2; plus strand). Cytogenetic location: 10p12.31.
Variant type: single nucleotide variant.
Coding change: c.1825T>A on transcript NM_201596.3 (MANE Select); coding-DNA position 1825, T replaced by A.
Protein change: p.Ser609Thr; replaces serine 609 with threonine.
Molecular consequence: missense variant.
Genome position (GRCh38, 1-based): chr10:18,539,566, T>A. VCF-style: chr10-18539566-T-A. GRCh37 (hg19) VCF-style: chr10-18828495-T-A.
Other names: c.1660T>A, p.Ser554Thr (NM_000724.4); c.1627T>A, p.Ser543Thr (NM_001167945.2); c.1546T>A, p.Ser516Thr (NM_001330060.2); c.1681T>A, p.Ser561Thr (NM_201570.3); c.1741T>A, p.Ser581Thr (NM_201571.4); c.1669T>A, p.Ser557Thr (NM_201572.4); c.1663T>A, p.Ser555Thr (NM_201590.3); c.1711T>A, p.Ser571Thr (NM_201593.3); and 1 more; short protein forms S555T, S609T, S516T, S554T, S571T, S543T, S557T, S561T.
Identifiers: ClinVar variation 421577 (VCV000421577.3), dbSNP rs1064795222, ClinGen allele CA16618948.